The following is an entry in ClinVar:

ClinVar aggregate classification (germline): Uncertain significance (1 of 4 stars; one submission).

Conditions:
Cystic fibrosis (CF). Also called: MUCOVISCIDOSIS. Identifiers: Orphanet 586, MedGen C0010674, MONDO:0009061, OMIM 219700. Disease mechanism: loss of function.

Allele frequency attached by ClinVar (database versions not stated): TOPMed 0.00001; gnomAD exomes 0.00001.
gnomAD v4.1: 4 of 1,613,740 alleles (0.00025%); highest among the groups gnomAD compares: East Asian, 0.0067%; no homozygotes.

Submission:

Labcorp Genetics (formerly Invitae), Labcorp
Classification: Uncertain significance for Cystic fibrosis. Last evaluated: 2021-12-29. Review status: criteria provided, single submitter. Criteria: Invitae Variant Classification Sherloc (09022015). Collection method: clinical testing. Allele origin: germline.
Comment: This sequence change replaces valine, which is neutral and non-polar, with phenylalanine, which is neutral and non-polar, at codon 1322 of the CFTR protein (p.Val1322Phe). This variant is present in population databases (rs756794531, gnomAD 0.01%). This variant has not been reported in the literature in individuals affected with CFTR-related conditions. Algorithms developed to predict the effect of missense changes on protein structure and function are either unavailable or do not agree on the potential impact of this missense change (SIFT: "Deleterious"; PolyPhen-2: "Probably Damaging"; Align-GVGD: "Class C0"). Algorithms developed to predict the effect of sequence changes on RNA splicing suggest that this variant may disrupt the consensus splice site. In summary, the available evidence is currently insufficient to determine the role of this variant in disease. Therefore, it has been classified as a Variant of Uncertain Significance.

NM_000492.4(CFTR):c.3964G>T (p.Val1322Phe)

Gene: CFTR (CF transmembrane conductance regulator; plus strand). Cytogenetic location: 7q31.2.
Variant type: single nucleotide variant.
Coding change: c.3964G>T on transcript NM_000492.4 (MANE Select); coding-DNA position 3964, G replaced by T.
Protein change: p.Val1322Phe; replaces valine 1322 with phenylalanine.
Molecular consequence: missense variant.
Genome position (GRCh38, 1-based): chr7:117,664,688, G>T. VCF-style: chr7-117664688-G-T. GRCh37 (hg19) VCF-style: chr7-117304742-G-T.
Other names: short protein forms V1322F.
Identifiers: ClinVar variation 2067185 (VCV002067185.1), dbSNP rs756794531, ClinGen allele CA4451604.